The following is an entry in ClinVar:

ClinVar aggregate classification (germline): Uncertain significance. Review status: criteria provided, multiple submitters, no conflicts (2 of 4 stars). 2 submissions from 2 submitters: Uncertain significance (2). Last evaluated 2026-02-26.

Conditions:
SEMA3C-related disorder. Also called: SEMA3C-related condition.

gnomAD v4.1: 25 of 1,613,834 alleles (0.0015%); highest among the groups gnomAD compares: Middle Eastern, 0.017%; no homozygotes.

Submissions (2):

PreventionGenetics, part of Exact Sciences
Classification: Uncertain significance for SEMA3C-related condition. Last evaluated: 2026-02-26. Review status: criteria provided, single submitter. Criteria: ACMG Guidelines, 2015. Collection method: clinical testing. Allele origin: germline.
Comment: The SEMA3C c.1651G>A variant is predicted to result in the amino acid substitution p.Ala551Thr. To our knowledge, this variant has not been reported in the literature. This variant is reported in 0.0040% of alleles in individuals of African descent in gnomAD. At this time, the clinical significance of this variant is uncertain due to the absence of conclusive functional and genetic evidence.

Ambry Genetics
Classification: Uncertain significance. Last evaluated: 2025-08-12. Review status: criteria provided, single submitter. Criteria: Ambry Variant Classification Scheme 2023. Collection method: clinical testing. Allele origin: germline.

NM_006379.5(SEMA3C):c.1597G>A (p.Ala533Thr)

Gene: SEMA3C (semaphorin 3C; minus strand). Cytogenetic location: 7q21.11.
Variant type: single nucleotide variant.
Coding change: c.1597G>A on transcript NM_006379.5 (MANE Select); coding-DNA position 1597, G replaced by A.
Protein change: p.Ala533Thr; replaces alanine 533 with threonine.
Molecular consequence: missense variant.
Genome position (GRCh38, 1-based): chr7:80,758,377, C>T on the plus strand (G>A on the coding strand, the complement: SEMA3C is on the minus strand). VCF-style: chr7-80758377-C-T. GRCh37 (hg19) VCF-style: chr7-80387693-C-T.
Other names: c.1651G>A (NM_001350120.1); c.1651G>A, p.Ala551Thr (NM_001350120.2); c.1423G>A, p.Ala475Thr (NM_001350121.2); short protein forms A475T, A551T, A533T.
Identifiers: ClinVar variation 4162099 (VCV004162099.2).